The following is an entry in ClinVar:

NM_005559.4(LAMA1):c.8991A>G (p.Ala2997=)

Gene: LAMA1 (laminin subunit alpha 1; minus strand). Cytogenetic location: 18p11.31.
Variant type: single nucleotide variant.
Coding change: c.8991A>G on transcript NM_005559.4 (MANE Select); coding-DNA position 8991, A replaced by G.
Protein change: p.Ala2997=; no amino-acid change (alanine 2997 retained).
Molecular consequence: synonymous variant.
Genome position (GRCh38, 1-based): chr18:6,943,256, T>C on the plus strand (A>G on the coding strand, the complement: LAMA1 is on the minus strand). VCF-style: chr18-6943256-T-C. GRCh37 (hg19) VCF-style: chr18-6943255-T-C.
Identifiers: ClinVar variation 2181919 (VCV002181919.28), dbSNP rs758518694, ClinGen allele CA8880288.

ClinVar aggregate classification (germline): Likely benign. Review status: criteria provided, multiple submitters, no conflicts (2 of 4 stars). 2 submissions from 2 submitters: Likely benign (2). Last evaluated 2023-04-01.

Allele frequency attached by ClinVar (database versions not stated): gnomAD exomes below 0.00001; ExAC 0.00001.
gnomAD v4.1: 6 of 1,614,204 alleles (0.00037%); highest among the groups gnomAD compares: East Asian, 0.0067%; no homozygotes.

Submissions (2):

CeGaT Center for Human Genetics Tuebingen
Classification: Likely benign. Last evaluated: 2023-04-01. Review status: criteria provided, single submitter. Criteria: CeGaT Center For Human Genetics Tuebingen Variant Classification Criteria Version 2. Collection method: clinical testing. Allele origin: germline. Affected: yes. Observed: 1 variant allele.
Comment: LAMA1: BP4, BP7

Labcorp Genetics (formerly Invitae), Labcorp
Classification: Likely benign. Last evaluated: 2022-06-27. Review status: criteria provided, single submitter. Criteria: Invitae Variant Classification Sherloc (09022015). Collection method: clinical testing. Allele origin: germline.